The following is an entry in ClinVar:

ClinVar aggregate classification (germline): Uncertain significance (1 of 4 stars; one submission).

Conditions:
Neurodevelopmental disorder with hypotonia, seizures, and absent language (NDHSAL). Identifiers: MedGen C4310643, MONDO:0014995, OMIM 617268.

Submission:

Neuberg Centre For Genomic Medicine, NCGM
Classification: Uncertain significance for Neurodevelopmental disorder with hypotonia, seizures, and absent language. Last evaluated: 2023-06-22. Review status: criteria provided, single submitter. Criteria: ACMG Guidelines, 2015. Collection method: clinical testing. Allele origin: germline. Inheritance: Autosomal dominant inheritance. Affected: yes.
Comment: The observed missense c.2398A>C(p.Ser800Arg) variant in HECW2 gene has not been reported previously as a pathogenic variant nor as a benign variant, to our knowledge. This variant is absent in gnomAD Exomes. The amino acid Serine at position 800 is changed to a Arginine changing protein sequence and it might alter its composition and physico-chemical properties. Computational evidence (Polyphen - Damaging, SIFT - Tolerated, and MutationTaster - Disease causing) predicts conflicting evidence on protein structure and function for this variant. The amino acid change p.Ser800Arg in HECW2 is predicted as conserved by GERP++ and PhyloP across 100 vertebrates. For these reasons, this variant has been classified as uncertain significance .

NM_001348768.2(HECW2):c.2398A>C (p.Ser800Arg)

Gene: HECW2 (HECT, C2 and WW domain containing E3 ubiquitin protein ligase 2; minus strand). Cytogenetic location: 2q32.3.
Variant type: single nucleotide variant.
Coding change: c.2398A>C on transcript NM_001348768.2 (MANE Select); coding-DNA position 2398, A replaced by C.
Protein change: p.Ser800Arg; replaces serine 800 with arginine.
Molecular consequence: missense variant.
Genome position (GRCh38, 1-based): chr2:196,317,310, T>G on the plus strand (A>C on the coding strand, the complement: HECW2 is on the minus strand). VCF-style: chr2-196317310-T-G. GRCh37 (hg19) VCF-style: chr2-197182034-T-G.
Other names: c.1330A>C, p.Ser444Arg (NM_001304840.3); c.2398A>C, p.Ser800Arg (NM_020760.4); short protein forms S444R, S800R.
Identifiers: ClinVar variation 3731356 (VCV003731356.1).
Genomic context (GRCh38, chr2:196,317,310, plus strand): 5'-CCCTTTTAACTAACAGGTCCTCACTTGGTGGGAGAGCCTCGTCCACCCTCTGGTACCGGC[T>G]AACATCCTGGCGCACTGAAGGTAGTGATCGCAGTGGCTGGTGGCCGTTGGCTTGAGAACC-3'
Protein context (NP_001335697.1, residues 790-810): RSLPSVRQDV[Ser800Arg]RYQRVDEALP